The following is an entry in ClinVar:

ClinVar aggregate classification (germline): Pathogenic (1 of 4 stars; one submission).

Conditions:
Kleefstra syndrome 1 (KLEFS1). Identifiers: Orphanet 261494, MedGen C0795833, MONDO:0027407, OMIM 610253.

Submission:

Laboratory of Genetics, Children's Clinical University Hospital Latvia
Classification: Pathogenic for Kleefstra syndrome 1. Review status: criteria provided, single submitter. Criteria: ACMG Guidelines, 2015. Collection method: curation. Allele origin: de novo. Affected: yes.
Comment: de novo

Literature cited by the submitters: PubMed 39013458.

NM_024757.5(EHMT1):c.3239_3258+9delinsCATGC

Gene: EHMT1 (euchromatic histone lysine methyltransferase 1; plus strand). Cytogenetic location: 9q34.3.
Variant type: Indel.
Coding change: c.3239_3258+9delinsCATGC on transcript NM_024757.5 (MANE Select); coding-DNA position 3239 through 9 bases into the intron after coding-DNA position 3258, TGCGCTGCTGGTACGACAAGGTGAGGGCG replaced by CATGC.
Molecular consequence: splice donor variant.
Genome position (GRCh38, 1-based): chr9:137,814,489-137,814,517, TGCGCTGCTGGTACGACAAGGTGAGGGCG replaced by CATGC. GRCh37 (hg19): chr9:140,708,941-140,708,969.
Other names: c.3218_3237+9delinsCATGC (NM_001354263.2).
Identifiers: ClinVar variation 3236877 (VCV003236877.1).
Genomic context (GRCh38, chr9:137,814,489, plus strand): 5'-AGTACTGCGTGTGCATCGACGACTGCTCCTCCAGCAACTGCATGTGCGGCCAGCTCAGCA[TGCGCTGCTGGTACGACAAGGTGAGGGCG>CATGC]GCCTCGTGTGCGTGGGCTCAGGTGGTAAGTGCCGCTGGTCCGGGTCTGCAAAAACAGTGC-3'